The following is an entry in ClinVar:

ClinVar aggregate classification (germline): Likely benign. Review status: criteria provided, single submitter (1 of 4 stars). 2 submissions from 2 submitters: Likely benign (1). 1 of the submissions does not count toward it. Last evaluated 2026-01-15.

Conditions:
PLEC-related disorder. Also called: PLEC-related condition; PLEC-related disorders.
Epidermolysis bullosa simplex 5C, with pyloric atresia (EBS5C). Also called: PLEC-Related Epidermolysis Bullosa with Pyloric Atresia; Epidermolysis bullosa simplex with pyloric atresia; PLEC1-Related Epidermolysis Bullosa with Pyloric Atresia. Identifiers: Orphanet 158684, MedGen C2677349, MONDO:0012807, OMIM 612138.
Autosomal recessive limb-girdle muscular dystrophy type 2Q (LGMDR17). Also called: MUSCULAR DYSTROPHY, LIMB-GIRDLE, AUTOSOMAL RECESSIVE 17. Identifiers: Orphanet 254361, MedGen C3150989, MONDO:0013390, OMIM 613723.
Epidermolysis bullosa simplex with nail dystrophy (EBS5D). Identifiers: MedGen C4225309, MONDO:0014661, OMIM 616487.
Epidermolysis bullosa simplex 5B, with muscular dystrophy (EBS5B). Also called: EPIDERMOLYSIS BULLOSA SIMPLEX AND LIMB-GIRDLE MUSCULAR DYSTROPHY; Epidermolysis bullosa simplex with muscular dystrophy. Identifiers: Orphanet 257, MedGen C2931072, MONDO:0009181, OMIM 226670.
Epidermolysis bullosa simplex, Ogna type (EBS5A). Also called: Pidermolysis bullosa simplex 5A, Ogna type; EPIDERMOLYSIS BULLOSA SIMPLEX 5A, OGNA TYPE. Identifiers: Orphanet 79401, MedGen C0432317, MONDO:0007555, OMIM 131950.

Allele frequency attached by ClinVar (database versions not stated): gnomAD exomes 0.00009; TOPMed 0.00019; 1000 Genomes Project 0.00020; gnomAD 0.00021 and 0.00022; 1000 Genomes Project 30x 0.00031; ExAC below 0.00001.
gnomAD v4.1: 102 of 1,537,732 alleles (0.0066%); highest among the groups gnomAD compares: African/African-American, 0.066%; no homozygotes.

Submissions (2):

Labcorp Genetics (formerly Invitae), Labcorp
Classification: Likely benign for Autosomal recessive limb-girdle muscular dystrophy type 2Q; Epidermolysis bullosa simplex, Ogna type; Epidermolysis bullosa simplex with nail dystrophy; Epidermolysis bullosa simplex 5C, with pyloric atresia; Epidermolysis bullosa simplex 5B, with muscular dystrophy. Last evaluated: 2026-01-15. Review status: criteria provided, single submitter. Criteria: Invitae Variant Classification Sherloc (09022015). Collection method: clinical testing. Allele origin: germline.

PreventionGenetics, part of Exact Sciences
Classification: Likely benign for PLEC-related condition. Last evaluated: 2019-05-29. Review status: no assertion criteria provided. Collection method: clinical testing. Allele origin: germline. Not counted in ClinVar's aggregate classification.
Comment: This variant is classified as likely benign based on ACMG/AMP sequence variant interpretation guidelines (Richards et al. 2015 PMID: 25741868, with internal and published modifications).

NM_201384.3(PLEC):c.5286C>T (p.Ala1762=)

Gene: PLEC (plectin; minus strand). Cytogenetic location: 8q24.3.
Variant type: single nucleotide variant.
Coding change: c.5286C>T on transcript NM_201384.3 (MANE Select); coding-DNA position 5286, C replaced by T.
Protein change: p.Ala1762=; no amino-acid change (alanine 1762 retained).
Molecular consequence: synonymous variant.
Genome position (GRCh38, 1-based): chr8:143,924,643, G>A on the plus strand (C>T on the coding strand, the complement: PLEC is on the minus strand). VCF-style: chr8-143924643-G-A. GRCh37 (hg19) VCF-style: chr8-144998811-G-A.
Other names: c.5367C>T, p.Ala1789= (NM_000445.5); c.5244C>T, p.Ala1748= (NM_201378.4); c.5220C>T, p.Ala1740= (NM_201379.3); c.5697C>T, p.Ala1899= (NM_201380.4); c.5190C>T, p.Ala1730= (NM_201381.3); c.5286C>T, p.Ala1762= (NM_201382.4); c.5298C>T, p.Ala1766= (NM_201383.3).
Identifiers: ClinVar variation 705099 (VCV000705099.11), dbSNP rs533922847, ClinGen allele CA4926392.